The following is an entry in ClinVar:

NM_007294.4(BRCA1):c.2130T>G (p.Thr710=)

Gene: BRCA1 (BRCA1 DNA repair associated; minus strand). Cytogenetic location: 17q21.31.
Variant type: single nucleotide variant.
Coding change: c.2130T>G on transcript NM_007294.4 (MANE Select); coding-DNA position 2130, T replaced by G.
Protein change: p.Thr710=; no amino-acid change (threonine 710 retained).
Molecular consequence: synonymous variant. On other transcripts: intron variant (137).
Genome position (GRCh38, 1-based): chr17:43,093,401, A>C on the plus strand (T>G on the coding strand, the complement: BRCA1 is on the minus strand). VCF-style: chr17-43093401-A-C. GRCh37 (hg19) VCF-style: chr17-41245418-A-C.
Other names: T710T; c.2127T>G, p.Thr709= (NM_001407615.1, NM_001407627.1, NM_001407628.1 and 22 more transcripts); c.2130T>G, p.Thr710= (NM_001407616.1, NM_001407617.1, NM_001407618.1 and 30 more transcripts); c.2121T>G, p.Thr707= (NM_001407646.1, NM_001407647.1); c.2007T>G, p.Thr669= (NM_001407648.1, NM_001407664.1, NM_001407665.1 and 19 more transcripts); c.2004T>G, p.Thr668= (NM_001407649.1, NM_001407670.1, NM_001407671.1 and 11 more transcripts); c.2052T>G, p.Thr684= (NM_001407653.1, NM_001407654.1, NM_001407655.1 and 4 more transcripts); c.2049T>G, p.Thr683= (NM_001407659.1, NM_001407660.1, NM_001407661.1 and 1 more transcripts); and 42 more.
Identifiers: ClinVar variation 54474 (VCV000054474.22), dbSNP rs273898678, ClinGen allele CA001423.

ClinVar aggregate classification (germline): Likely benign. Review status: reviewed by expert panel (3 of 4 stars). 11 submissions from 11 submitters: Likely benign (1). 10 of the submissions do not count toward it. Last evaluated 2017-06-29.

Conditions:
Hereditary cancer-predisposing syndrome. Also called: Tumor predisposition; Neoplastic Syndromes, Hereditary; Hereditary Cancer Syndrome; Hereditary neoplastic syndrome. Identifiers: Orphanet 140162, MedGen C0027672, MeSH D009386, MONDO:0015356.
Hereditary breast ovarian cancer syndrome. Also called: Hereditary breast and ovarian cancer syndrome (HBOC); Hereditary breast and ovarian cancer syndrome; Hereditary breast and ovarian cancer; Hereditary breast and/or ovarian cancer syndrome; Breast and ovarian cancer; BRCA1- and BRCA2-Associated Hereditary Breast and Ovarian Cancer. Identifiers: Orphanet 145, MedGen C0677776, MeSH D061325, MONDO:0003582. Disease mechanism: loss of function.
Breast-ovarian cancer, familial, susceptibility to, 1 (BROVCA1). Also called: OVARIAN CANCER, SUSCEPTIBILITY TO; BRCA1 Hereditary Breast and Ovarian Cancer. Identifiers: Orphanet 145, MedGen C2676676, MONDO:0011450, OMIM 604370. Disease mechanism: loss of function.

Allele frequency attached by ClinVar (database versions not stated): gnomAD exomes below 0.00001; TOPMed below 0.00001.

Submissions (11):

Evidence-based Network for the Interpretation of Germline Mutant Alleles (ENIGMA)
Classification: Likely benign for Breast-ovarian cancer, familial, susceptibility to, 1. Last evaluated: 2017-06-29. Review status: reviewed by expert panel. Criteria: ENIGMA BRCA1/2 Classification Criteria (2017-06-29). Collection method: curation. Allele origin: germline.
Comment: Synonymous substitution variant, with low bioinformatic likelihood to result in a splicing aberration (Splicing prior probability 0.02).

Labcorp Genetics (formerly Invitae), Labcorp
Classification: Likely benign for Hereditary breast ovarian cancer syndrome. Last evaluated: 2024-12-30. Review status: criteria provided, single submitter. Criteria: Invitae Variant Classification Sherloc (09022015). Collection method: clinical testing. Allele origin: germline. Not counted in ClinVar's aggregate classification.

All of Us Research Program, National Institutes of Health
Classification: Likely benign for Breast-ovarian cancer, familial, susceptibility to, 1. Last evaluated: 2023-11-30. Review status: criteria provided, single submitter. Criteria: ACMG Guidelines, 2015. Collection method: clinical testing. Allele origin: germline. Inheritance: Autosomal dominant inheritance. Observed: 2 variant alleles, 2 heterozygotes. Not counted in ClinVar's aggregate classification.
Comment: This study involves interpretation of variants in research participants for the purpose of population health screening. Participant phenotype was not available at the time of variant classification. Additional details can be found in publication PMID: 35346344, PMCID: PMC8962531

Color Diagnostics, LLC DBA Color Health
Classification: Likely benign for Hereditary cancer-predisposing syndrome. Last evaluated: 2023-07-20. Review status: criteria provided, single submitter. Criteria: ACMG Guidelines, 2015. Collection method: clinical testing. Allele origin: germline. Not counted in ClinVar's aggregate classification.

Women's Health and Genetics/Laboratory Corporation of America, LabCorp
Classification: Likely benign. Last evaluated: 2022-06-09. Review status: criteria provided, single submitter. Criteria: LabCorp Variant Classification Summary - May 2015. Collection method: clinical testing. Allele origin: germline. Not counted in ClinVar's aggregate classification.

Sema4
Classification: Likely benign for Hereditary cancer-predisposing syndrome. Last evaluated: 2021-11-22. Review status: criteria provided, single submitter. Criteria: Sema4 Curation Guidelines. Collection method: curation. Allele origin: germline. Not counted in ClinVar's aggregate classification.

Quest Diagnostics Nichols Institute San Juan Capistrano
Classification: Likely benign. Last evaluated: 2020-10-22. Review status: criteria provided, single submitter. Criteria: Quest Diagnostics criteria. Collection method: clinical testing. Allele origin: unknown. Not counted in ClinVar's aggregate classification.

GeneDx
Classification: Likely benign. Last evaluated: 2019-11-13. Review status: criteria provided, single submitter. Criteria: GeneDx Variant Classification Process June 2021. Collection method: clinical testing. Allele origin: germline. Affected: yes. Not counted in ClinVar's aggregate classification.

Ambry Genetics
Classification: Likely benign for Hereditary cancer-predisposing syndrome. Last evaluated: 2016-12-13. Review status: criteria provided, single submitter. Criteria: Ambry Variant Classification Scheme 2023. Collection method: clinical testing. Allele origin: germline. Not counted in ClinVar's aggregate classification.

Counsyl
Classification: Likely benign for Breast-ovarian cancer, familial, susceptibility to, 1. Last evaluated: 2017-03-02. Review status: no assertion criteria provided. Collection method: clinical testing. Allele origin: unknown. Not counted in ClinVar's aggregate classification.

Breast Cancer Information Core (BIC) (BRCA1)
Classification: Uncertain significance for Breast-ovarian cancer, familial 1. Last evaluated: 2010-12-17. Review status: no assertion criteria provided. Collection method: clinical testing. Allele origin: germline. Affected: yes. Observed: 1 variant allele. Not counted in ClinVar's aggregate classification.